The following is an entry in ClinVar:

NM_015160.3(PMPCA):c.840C>T (p.Ser280=)

Genes: PMPCA (peptidase, mitochondrial processing subunit alpha; plus strand), LOC126860792 (CDK7 strongly-dependent group 2 enhancer GRCh37_chr9:139310410-139311609; plus strand). Cytogenetic location: 9q34.3.
Variant type: single nucleotide variant.
Coding change: c.840C>T on transcript NM_015160.3 (MANE Select); coding-DNA position 840, C replaced by T.
Protein change: p.Ser280=; no amino-acid change (serine 280 retained).
Molecular consequence: synonymous variant.
Genome position (GRCh38, 1-based): chr9:136,417,157, C>T. VCF-style: chr9-136417157-C-T. GRCh37 (hg19) VCF-style: chr9-139311609-C-T.
Other names: c.447C>T, p.Ser149= (NM_001282944.2); c.540C>T, p.Ser180= (NM_001282946.2).
Identifiers: ClinVar variation 2126060 (VCV002126060.12), dbSNP rs756603199, ClinGen allele CA5336173.

ClinVar aggregate classification (germline): Likely benign. Review status: criteria provided, multiple submitters, no conflicts (2 of 4 stars). 2 submissions from 2 submitters: Likely benign (2). Last evaluated 2025-07-01.

Allele frequency attached by ClinVar (database versions not stated): ExAC 0.00001; gnomAD 0.00001; gnomAD exomes 0.00001.
gnomAD v4.1: 14 of 1,611,600 alleles (0.00087%); highest among the groups gnomAD compares: South Asian, 0.0055%; 1 homozygote.

Submissions (2):

CeGaT Center for Human Genetics Tuebingen
Classification: Likely benign. Last evaluated: 2025-07-01. Review status: criteria provided, single submitter. Criteria: CeGaT Center For Human Genetics Tuebingen Variant Classification Criteria Version 2. Collection method: clinical testing. Allele origin: germline. Affected: yes. Observed: 1 variant allele.
Comment: PMPCA: BP4, BP7

Labcorp Genetics (formerly Invitae), Labcorp
Classification: Likely benign. Last evaluated: 2023-04-03. Review status: criteria provided, single submitter. Criteria: Invitae Variant Classification Sherloc (09022015). Collection method: clinical testing. Allele origin: germline.